The following is an entry in ClinVar:

ClinVar aggregate classification (germline): Pathogenic. Review status: criteria provided, multiple submitters, no conflicts (2 of 4 stars). 5 submissions from 5 submitters: Pathogenic (3). 2 of the submissions do not count toward it. Last evaluated 2025-12-08.

Conditions:
Fanconi anemia complementation group G. Also called: FANCG-Related Fanconi Anemia; Fanconi anemia group G. Identifiers: Orphanet 84, MedGen C3469527, MONDO:0013565, OMIM 614082.
FANCG-related disorder. Also called: FANCG-related condition.
Fanconi anemia (FA). Also called: Fanconi's anemia. Identifiers: Orphanet 84, MedGen C0015625, MeSH D005199, MONDO:0019391.

Submissions (5):

Labcorp Genetics (formerly Invitae), Labcorp
Classification: Pathogenic for Fanconi anemia. Last evaluated: 2025-12-08. Review status: criteria provided, single submitter. Criteria: Invitae Variant Classification Sherloc (09022015). Collection method: clinical testing. Allele origin: germline.
Comment: This sequence change creates a premature translational stop signal (p.Ala533Profs*26) in the FANCG gene. It is expected to result in an absent or disrupted protein product. Loss-of-function variants in FANCG are known to be pathogenic (PMID: 12552564). This variant is present in population databases (rs761519737, gnomAD 0.002%). This premature translational stop signal has been observed in individual(s) with Fanconi anemia (PMID: 12552564). ClinVar contains an entry for this variant (Variation ID: 929701). For these reasons, this variant has been classified as Pathogenic.

Natera, Inc.
Classification: Pathogenic for Fanconi anemia group G. Last evaluated: 2024-09-17. Review status: criteria provided, single submitter. Criteria: Natera Variant Classification Schema (03/2026). Collection method: clinical testing. Allele origin: germline.
Comment: The c.1593del variant in FANCG is a frameshift variant predicted to shift the reading frame beginning at codon 533 and leads to a stop codon 26 codons downstream. This variant is expected to result in nonsense mediated decay, truncation, or a dysfunctional protein product. This variant is rare in the general population with a frequency below the threshold expected for the associated phenotype(s). This variant has been observed in one or more individuals affected with the associated recessive disease, as either homozygous or compound heterozygous with a second variant (PMID: 12552564). Additionally, this variant has been observed to segregate in affected family members (PMID: 12552564). Given the available evidence, this variant is classified as Pathogenic.

Baylor Genetics
Classification: Pathogenic for Fanconi anemia complementation group G. Last evaluated: 2023-10-09. Review status: criteria provided, single submitter. Criteria: ACMG Guidelines, 2015. Collection method: clinical testing. Allele origin: unknown.

PreventionGenetics, part of Exact Sciences
Classification: Pathogenic for FANCG-related condition. Last evaluated: 2024-05-10. Review status: no assertion criteria provided. Collection method: clinical testing. Allele origin: germline. Not counted in ClinVar's aggregate classification.
Comment: The FANCG c.1593delC variant is predicted to result in a frameshift and premature protein termination (p.Ala533Profs*26). This variant has been reported in the compound heterozygous state in two members of a family affected with Fanconi anemia (Auerbach et al 2003. PubMed ID: 12552564). This variant is reported in 0.0018% of alleles in individuals of European (Non-Finnish) descent in gnomAD. Frameshift variants in FANCG are expected to be pathogenic. This variant is interpreted as pathogenic.

Leiden Open Variation Database
Classification: Pathogenic for Fanconi anemia complementation group G. Last evaluated: 2020-02-28. Review status: no assertion criteria provided. Collection method: curation. Allele origin: germline. Affected: yes. Not counted in ClinVar's aggregate classification.
Comment: Curator: Arleen D. Auerbach. Submitter to LOVD: Arleen D. Auerbach.

Literature cited by the submitters: PubMed 12552564 (cited by 3 submitters).

NM_004629.2(FANCG):c.1593del (p.Ala533fs)

Gene: FANCG (FA complementation group G; minus strand). Cytogenetic location: 9p13.3.
Variant type: Deletion.
Coding change: c.1593del on transcript NM_004629.2 (MANE Select); coding-DNA position 1593, one base deleted (C; older notation c.1593delC).
Protein change: p.Ala533fs; shifts the reading frame from alanine 533.
Molecular consequence: frameshift variant.
Genome position (GRCh38, 1-based): chr9:35,074,970, G deleted on the plus strand (C on the coding strand, the reverse complement: FANCG is on the minus strand); the first of 2 consecutive G bases (chr9:35,074,970-35,074,971); deleting either gives the same sequence. VCF-style (leftmost placement, unchanged base first): chr9-35074969-TG-T. GRCh37 (hg19) VCF-style: chr9-35074966-TG-T.
Other names: c.1593delC (NM_004629.1); short protein forms A533fs.
Identifiers: ClinVar variation 929701 (VCV000929701.11), dbSNP rs761519737, ClinGen allele CA5039687.